The following is an entry in ClinVar:

ClinVar aggregate classification (germline): Likely pathogenic (0 of 4 stars; one submission).

Conditions:
Complex cortical dysplasia with other brain malformations 6. Identifiers: MedGen C4014283, MONDO:0014341, OMIM 615771.

Submission:

Solve-RD Consortium
Classification: Likely pathogenic for Complex cortical dysplasia with other brain malformations 6. Last evaluated: 2022-06-01. Review status: no assertion criteria provided. Collection method: provider interpretation. Allele origin: de novo. Affected: yes.
Comment: Variant confirmed as disease-causing by referring clinical team

Variant identified during reanalysis of unsolved cases by the Solve-RD project. The Solve-RD project has received funding from the European Union’s Horizon 2020 research and innovation programme under grant agreement No 779257.

Literature cited by the submitters: PubMed 39825153.

NM_178014.4(TUBB):c.91G>A (p.Asp31Asn)

Gene: TUBB (tubulin beta class I; plus strand). Cytogenetic location: 6p21.33.
Variant type: single nucleotide variant.
Coding change: c.91G>A on transcript NM_178014.4 (MANE Select); coding-DNA position 91, G replaced by A.
Protein change: p.Asp31Asn; replaces aspartic acid 31 with asparagine.
Molecular consequence: missense variant. On other transcripts: 5 prime UTR variant (2), non-coding transcript variant (1), intron variant (1).
Genome position (GRCh38, 1-based): chr6:30,722,570, G>A. VCF-style: chr6-30722570-G-A. GRCh37 (hg19) VCF-style: chr6-30690347-G-A.
Other names: c.151G>A, p.Asp51Asn (NM_001293212.2); c.91G>A, p.Asp31Asn (NM_001293213.2); c.-126G>A (NM_001293215.2, NM_001293216.2); c.35-348G>A (NM_001293214.2); short protein forms D31N, D51N.
Identifiers: ClinVar variation 3256784 (VCV003256784.1).